The following is an entry in ClinVar:

ClinVar aggregate classification (germline): Likely benign (0 of 4 stars; one submission).

Conditions:
PCNT-related disorder. Also called: PCNT-related condition.

gnomAD v4.1: 13 of 1,601,482 alleles (0.00081%); highest among the groups gnomAD compares: Non-Finnish European, 0.0011%; no homozygotes.

Submission:

PreventionGenetics, part of Exact Sciences
Classification: Likely benign for PCNT-related condition. Last evaluated: 2022-11-22. Review status: no assertion criteria provided. Collection method: clinical testing. Allele origin: germline.
Comment: This variant is classified as likely benign based on ACMG/AMP sequence variant interpretation guidelines (Richards et al. 2015 PMID: 25741868, with internal and published modifications).

NM_006031.6(PCNT):c.6834T>C (p.Cys2278=)

Gene: PCNT (pericentrin; plus strand). Cytogenetic location: 21q22.3.
Variant type: single nucleotide variant.
Coding change: c.6834T>C on transcript NM_006031.6 (MANE Select); coding-DNA position 6834, T replaced by C.
Protein change: p.Cys2278=; no amino-acid change (cysteine 2278 retained).
Molecular consequence: synonymous variant.
Genome position (GRCh38, 1-based): chr21:46,416,752, T>C. VCF-style: chr21-46416752-T-C. GRCh37 (hg19) VCF-style: chr21-47836666-T-C.
Other names: c.6480T>C, p.Cys2160= (NM_001315529.2).
Identifiers: ClinVar variation 3353528 (VCV003353528.1).